The following is an entry in ClinVar:

ClinVar aggregate classification (germline): Pathogenic. Review status: reviewed by expert panel (3 of 4 stars). 3 submissions from 3 submitters: Pathogenic (1). 2 of the submissions do not count toward it. Last evaluated 2024-06-09.

Conditions:
Monogenic diabetes. Identifiers: Orphanet 183625, MedGen C3888631, MONDO:0015967.
Maturity-onset diabetes of the young (MODY). Also called: Maturity onset diabetes mellitus in young. Identifiers: Orphanet 552, MedGen C0342276, MONDO:0018911, HP:0004904.

Submissions (3):

ClinGen Monogenic Diabetes Variant Curation Expert Panel
Classification: Pathogenic for Monogenic diabetes. Last evaluated: 2024-06-09. Review status: reviewed by expert panel. Criteria: ClinGen Diabetes ACMG Specifications HNF1A V2.1.0. Collection method: curation. Allele origin: germline. Inheritance: Autosomal dominant inheritance.
Comment: The c.388C>T variant in the HNF1 homeobox A gene, HNF1A, results in a premature termination at codon 130 (p.(Gln130Ter)) of NM_000545.8. This variant, located in biologically-relevant exon 2 of 10, is predicted to lead to nonsense-mediated decay in a gene in which loss-of-function is an established disease mechanism (PVS1; PMID: 23348805). This variant is absent from gnomAD v2.1.1 (PM2_Supporting). This variant was identified in seven unrelated (though part of a population isolate and likely having a common ancestor) individuals with non-autoimmune and non-absolute/near-absolute insulin-deficient diabetes (PS4_Moderate; internal lab contributors). This variant was segregated with diabetes, with eight informative meioses in four families with MODY (PP1_Strong; internal lab contributors). This variant was identified in at least 3 individuals with a clinical history highly specific for HNF1A-monogenic diabetes (MODY probability calculator result >75%, negative genetic testing for HNF4A, and negative antibodies) (PP4_Moderate; internal lab contributors). In summary, c.388C>T meets the criteria to be classified as pathogenic for monogenic diabetes. ACMG/AMP criteria applied, as specified by the ClinGen MDEP (specification version 2.1.0, approved 8/11/2023): PVS1, PM2_supporting, PS4_moderate, PP1_strong, PP4_Moderate.

Athena Diagnostics
Classification: Pathogenic. Last evaluated: 2019-09-17. Review status: criteria provided, single submitter. Criteria: Athena Diagnostics Criteria. Collection method: clinical testing. Allele origin: unknown. Not counted in ClinVar's aggregate classification.
Comment: The variant creates a premature nonsense codon, and is therefore predicted to result in the loss of a functional protein. Found in at least one patient with expected phenotype for this gene, and not found in general population data.

Clinical Genomics, Uppaluri K&H Personalized Medicine Clinic
Classification: Pathogenic for Maturity-onset diabetes of the young. Review status: criteria provided, single submitter. Criteria: K & H Uppaluri Personalized Medicine Clinic Variant Classification & Assertion Criteria_Updated V.1. Collection method: research. Allele origin: unknown. Inheritance: Autosomal dominant inheritance. Not counted in ClinVar's aggregate classification.
Comment: Mutations in HNF1A gene can predispose to MODY3. It is associated with both micro and macrovascular complications of diabetes, especially cardiovascular complications. Associated with glucosuria. May respond well to sulfonylureas. However, more evidence is required to confer the association of this particular variant rs1876669962 with MODY3.

Literature cited by the submitters: PubMed 21224407 (cited by Athena Diagnostics); PubMed 31517624 (cited by Clinical Genomics, Uppaluri K&H Personalized Medicine Clinic); PubMed 32395877 (cited by Clinical Genomics, Uppaluri K&H Personalized Medicine Clinic); PubMed 35328643 (cited by Clinical Genomics, Uppaluri K&H Personalized Medicine Clinic); PubMed 35673428 (cited by Clinical Genomics, Uppaluri K&H Personalized Medicine Clinic).

NM_000545.8(HNF1A):c.388C>T (p.Gln130Ter)

Gene: HNF1A (HNF1 homeobox A; plus strand). Cytogenetic location: 12q24.31.
Variant type: single nucleotide variant.
Coding change: c.388C>T on transcript NM_000545.8 (MANE Select); coding-DNA position 388, C replaced by T.
Protein change: p.Gln130Ter; replaces glutamine 130 with a stop codon.
Molecular consequence: nonsense.
Genome position (GRCh38, 1-based): chr12:120,988,894, C>T. VCF-style: chr12-120988894-C-T. GRCh37 (hg19) VCF-style: chr12-121426697-C-T.
Other names: NM_000545.8(HNF1A):c.388C>T; p.Gln130Ter; c.388C>T, p.Gln130Ter (NM_001306179.2); short protein forms Q130*.
Identifiers: ClinVar variation 994548 (VCV000994548.3), dbSNP rs1876669962, ClinGen allele CA386959398.